The following is an entry in ClinVar:

ClinVar aggregate classification (germline): Uncertain significance. Review status: criteria provided, multiple submitters, no conflicts (2 of 4 stars). 2 submissions from 2 submitters: Uncertain significance (2). Last evaluated 2025-04-12.

Conditions:
Short-rib thoracic dysplasia 8 with or without polydactyly (SRTD8). Also called: SHORT-RIB THORACIC DYSPLASIA 8 WITH POLYDACTYLY. Identifiers: Orphanet 93271, MedGen C3809691, MONDO:0014214, OMIM 615503.
Inborn genetic diseases. Identifiers: MedGen C0950123, MeSH D030342.

Allele frequency attached by ClinVar (database versions not stated): gnomAD 0.00001; TOPMed 0.00001.
gnomAD v4.1: 1 of 1,613,460 alleles (0.000062%); highest among the groups gnomAD compares: Admixed American, 0.0017%; no homozygotes.

Submissions (2):

Ambry Genetics
Classification: Uncertain significance for Inborn genetic diseases. Last evaluated: 2025-04-12. Review status: criteria provided, single submitter. Criteria: Ambry Variant Classification Scheme 2023. Collection method: clinical testing. Allele origin: germline.

Labcorp Genetics (formerly Invitae), Labcorp
Classification: Uncertain significance for Short-rib thoracic dysplasia 8 with or without polydactyly. Last evaluated: 2021-06-13. Review status: criteria provided, single submitter. Criteria: Invitae Variant Classification Sherloc (09022015). Collection method: clinical testing. Allele origin: germline.
Comment: In summary, the available evidence is currently insufficient to determine the role of this variant in disease. Therefore, it has been classified as a Variant of Uncertain Significance. Algorithms developed to predict the effect of missense changes on protein structure and function output the following: SIFT: "Tolerated"; PolyPhen-2: "Benign"; Align-GVGD: "Class C0". The arginine amino acid residue is found in multiple mammalian species, suggesting that this missense change does not adversely affect protein function. These predictions have not been confirmed by published functional studies and their clinical significance is uncertain. This variant has not been reported in the literature in individuals with WDR60-related conditions. This variant is not present in population databases (ExAC no frequency). This sequence change replaces lysine with arginine at codon 35 of the WDR60 protein (p.Lys35Arg). The lysine residue is moderately conserved and there is a small physicochemical difference between lysine and arginine.

NM_018051.5(DYNC2I1):c.104A>G (p.Lys35Arg)

Gene: DYNC2I1 (dynein 2 intermediate chain 1; plus strand). Cytogenetic location: 7q36.3.
Variant type: single nucleotide variant.
Coding change: c.104A>G on transcript NM_018051.5 (MANE Select); coding-DNA position 104, A replaced by G.
Protein change: p.Lys35Arg; replaces lysine 35 with arginine.
Molecular consequence: missense variant. On other transcripts: 5 prime UTR variant (5).
Genome position (GRCh38, 1-based): chr7:158,871,176, A>G. VCF-style: chr7-158871176-A-G. GRCh37 (hg19) VCF-style: chr7-158663867-A-G.
Other names: c.104A>G (NM_018051.4); c.-35A>G (NM_001350914.2); c.-414A>G (NM_001350915.2); c.-1255A>G (NM_001350916.2); c.-1263A>G (NM_001350917.2); c.-1382A>G (NM_001350918.2); short protein forms K35R.
Identifiers: ClinVar variation 1680638 (VCV001680638.9), dbSNP rs774295782, ClinGen allele CA170044872.
Genomic context (GRCh38, chr7:158,871,176, plus strand): 5'-GAGGACCCTTTGTTCTCTTGTTTCAGGCCATACAGTCAGGTGGTTCCAAGGAAGAAAGAA[A>G]GCACAGAGAGAAGAAGCTGCGTAAGGAGTCTGAGATGGACCTTCCTGAACATAAGGAGCC-3'
Protein context (NP_060521.4, residues 25-45): IQSGGSKEER[Lys35Arg]HREKKLRKES